The following is an entry in ClinVar:

NM_001039876.3(SYNE4):c.702del (p.Trp236fs)

Gene: SYNE4 (spectrin repeat containing nuclear envelope family member 4; minus strand). Cytogenetic location: 19q13.12.
Variant type: Deletion.
Coding change: c.702del on transcript NM_001039876.3 (MANE Select); coding-DNA position 702, one base deleted (G; older notation c.702delG).
Protein change: p.Trp236fs; shifts the reading frame from tryptophan 236.
Molecular consequence: frameshift variant.
Genome position (GRCh38, 1-based): chr19:36,006,588, C deleted on the plus strand (G on the coding strand, the reverse complement: SYNE4 is on the minus strand); the first of 5 consecutive C bases (chr19:36,006,588-36,006,592); deleting any one gives the same sequence. VCF-style (leftmost placement, unchanged base first): chr19-36006587-GC-G. GRCh37 (hg19) VCF-style: chr19-36497489-GC-G.
Other names: c.363del, p.Trp123fs (NM_001297735.3); short protein forms W123fs, W236fs.
Identifiers: ClinVar variation 2577587 (VCV002577587.4), dbSNP rs1490464311, ClinGen allele CA633061779.

ClinVar aggregate classification (germline): Pathogenic/Likely pathogenic. Review status: criteria provided, multiple submitters, no conflicts (2 of 4 stars). 2 submissions from 2 submitters: Pathogenic (1); Likely pathogenic (1). Last evaluated 2024-02-02.

Submissions (2):

Labcorp Genetics (formerly Invitae), Labcorp
Classification: Pathogenic. Last evaluated: 2024-02-02. Review status: criteria provided, single submitter. Criteria: Invitae Variant Classification Sherloc (09022015). Collection method: clinical testing. Allele origin: germline.
Comment: This sequence change creates a premature translational stop signal (p.Trp236Glyfs*34) in the SYNE4 gene. It is expected to result in an absent or disrupted protein product. Loss-of-function variants in SYNE4 are known to be pathogenic (PMID: 23348741, 28958982). The frequency data for this variant in the population databases is considered unreliable, as metrics indicate poor data quality at this position in the gnomAD database. This variant has not been reported in the literature in individuals affected with SYNE4-related conditions. ClinVar contains an entry for this variant (Variation ID: 2577587). For these reasons, this variant has been classified as Pathogenic.

GeneDx
Classification: Likely pathogenic. Last evaluated: 2023-08-09. Review status: criteria provided, single submitter. Criteria: GeneDx Variant Classification Process June 2021. Collection method: clinical testing. Allele origin: germline. Affected: yes.
Comment: Frameshift variant predicted to result in protein truncation or nonsense mediated decay in a gene for which loss-of-function is a known mechanism of disease; Not observed at a significant frequency in large population cohorts (gnomAD); Has not been previously published as pathogenic or benign to our knowledge

Literature cited by the submitters: PubMed 23348741 (cited by Labcorp Genetics (formerly Invitae), Labcorp); PubMed 28958982 (cited by Labcorp Genetics (formerly Invitae), Labcorp).